The following is an entry in ClinVar:

NM_006907.4(PYCR1):c.410C>T (p.Thr137Ile)

Gene: PYCR1 (pyrroline-5-carboxylate reductase 1; minus strand). Cytogenetic location: 17q25.3.
Variant type: single nucleotide variant.
Coding change: c.410C>T on transcript NM_006907.4 (MANE Select); coding-DNA position 410, C replaced by T.
Protein change: p.Thr137Ile; replaces threonine 137 with isoleucine.
Molecular consequence: missense variant.
Genome position (GRCh38, 1-based): chr17:81,935,056, G>A on the plus strand (C>T on the coding strand, the complement: PYCR1 is on the minus strand). VCF-style: chr17-81935056-G-A. GRCh37 (hg19) VCF-style: chr17-79892932-G-A.
Other names: c.410C>T, p.Thr137Ile (NM_001282279.2, NM_001282280.2, NM_001330523.2 and 1 more transcripts); c.491C>T, p.Thr164Ile (NM_001282281.2); short protein forms T137I, T164I.
Identifiers: ClinVar variation 2053262 (VCV002053262.4), dbSNP rs1359119321, ClinGen allele CA401538793.

ClinVar aggregate classification (germline): Uncertain significance (1 of 4 stars; one submission).

Allele frequency attached by ClinVar (database versions not stated): TOPMed below 0.00001.
gnomAD v4.1: 6 of 1,610,614 alleles (0.00037%); highest among the groups gnomAD compares: Non-Finnish European, 0.00051%; no homozygotes.

Submission:

Labcorp Genetics (formerly Invitae), Labcorp
Classification: Uncertain significance. Last evaluated: 2022-06-19. Review status: criteria provided, single submitter. Criteria: Invitae Variant Classification Sherloc (09022015). Collection method: clinical testing. Allele origin: germline.
Comment: In summary, the available evidence is currently insufficient to determine the role of this variant in disease. Therefore, it has been classified as a Variant of Uncertain Significance. Algorithms developed to predict the effect of missense changes on protein structure and function (SIFT, PolyPhen-2, Align-GVGD) all suggest that this variant is likely to be tolerated. This variant has not been reported in the literature in individuals affected with PYCR1-related conditions. This variant is present in population databases (no rsID available, gnomAD 0.0009%). This sequence change replaces threonine, which is neutral and polar, with isoleucine, which is neutral and non-polar, at codon 137 of the PYCR1 protein (p.Thr137Ile).